The following is an entry in ClinVar:

ClinVar aggregate classification (germline): Likely pathogenic (1 of 4 stars; one submission).

Submission:

GeneDx
Classification: Likely pathogenic. Last evaluated: 2025-01-06. Review status: criteria provided, single submitter. Criteria: GeneDx Variant Classification Process June 2021. Collection method: clinical testing. Allele origin: germline. Affected: yes.
Comment: Not observed at significant frequency in large population cohorts (gnomAD); In silico analysis supports that this missense variant has a deleterious effect on protein structure/function; Has not been previously published as pathogenic or benign to our knowledge; This variant is associated with the following publications: (PMID: 27535533)

NM_052867.4(NALCN):c.419G>T (p.Gly140Val)

Gene: NALCN (sodium leak channel, non-selective; minus strand). Cytogenetic location: 13q33.1.
Variant type: single nucleotide variant.
Coding change: c.419G>T on transcript NM_052867.4 (MANE Select); coding-DNA position 419, G replaced by T.
Protein change: p.Gly140Val; replaces glycine 140 with valine.
Molecular consequence: missense variant.
Genome position (GRCh38, 1-based): chr13:101,377,013, C>A on the plus strand (G>T on the coding strand, the complement: NALCN is on the minus strand). VCF-style: chr13-101377013-C-A. GRCh37 (hg19) VCF-style: chr13-102029364-C-A.
Other names: c.419G>T, p.Gly140Val (NM_001350748.2, NM_001350749.2, NM_001350750.2 and 1 more transcripts); short protein forms G140V.
Identifiers: ClinVar variation 4055779 (VCV004055779.1).